The following is an entry in ClinVar:

NM_015662.3(IFT172):c.2571G>A (p.Glu857=)

Genes: IFT172 (intraflagellar transport 172; minus strand), LOC126806174 (CDK7 strongly-dependent group 2 enhancer GRCh37_chr2:27681686-27682885; plus strand). Cytogenetic location: 2p23.3.
Variant type: single nucleotide variant.
Coding change: c.2571G>A on transcript NM_015662.3 (MANE Select); coding-DNA position 2571, G replaced by A.
Protein change: p.Glu857=; no amino-acid change (glutamic acid 857 retained).
Molecular consequence: synonymous variant.
Genome position (GRCh38, 1-based): chr2:27,459,780, C>T on the plus strand (G>A on the coding strand, the complement: IFT172 is on the minus strand). VCF-style: chr2-27459780-C-T. GRCh37 (hg19) VCF-style: chr2-27682647-C-T.
Other names: c.2505G>A, p.Glu835= (NM_001410739.1).
Identifiers: ClinVar variation 2161326 (VCV002161326.9), dbSNP rs1175878785, ClinGen allele CA425405959.

ClinVar aggregate classification (germline): Likely benign. Review status: criteria provided, multiple submitters, no conflicts (2 of 4 stars). 3 submissions from 3 submitters: Likely benign (3). Last evaluated 2026-02-01.

Conditions:
Short-rib thoracic dysplasia 10 with or without polydactyly (SRTD10). Identifiers: Orphanet 474, MedGen C3810175, MONDO:0014284, OMIM 615630.
Retinitis pigmentosa 71 (RP71). Identifiers: Orphanet 791, MedGen C4225342, MONDO:0014618, OMIM 616394.

Allele frequency attached by ClinVar (database versions not stated): gnomAD exomes 0.00001.
gnomAD v4.1: 14 of 1,612,994 alleles (0.00087%); highest among the groups gnomAD compares: Non-Finnish European, 0.0012%; no homozygotes.

Submissions (3):

CeGaT Center for Human Genetics Tuebingen
Classification: Likely benign. Last evaluated: 2026-02-01. Review status: criteria provided, single submitter. Criteria: CeGaT Center For Human Genetics Tuebingen Variant Classification Criteria Version 2. Collection method: clinical testing. Allele origin: germline. Affected: yes. Observed: 1 variant allele.
Comment: IFT172: BP4, BP7

Labcorp Genetics (formerly Invitae), Labcorp
Classification: Likely benign for Retinitis pigmentosa 71; Short-rib thoracic dysplasia 10 with or without polydactyly. Last evaluated: 2022-04-11. Review status: criteria provided, single submitter. Criteria: Invitae Variant Classification Sherloc (09022015). Collection method: clinical testing. Allele origin: germline.

Blueprint Genetics
Classification: Likely benign. Last evaluated: 2022-01-25. Review status: criteria provided, single submitter. Criteria: ACMG Guidelines, 2015. Collection method: clinical testing. Allele origin: germline.